The following is an entry in ClinVar:

NC_000001.10:g.(?_43200757)_(43424429_?)del

Genes: C1orf50 (chromosome 1 open reading frame 50; plus strand), CLDN19 (claudin 19; minus strand), ERMAP (erythroblast membrane associated protein (Scianna blood group); plus strand), P3H1 (prolyl 3-hydroxylase 1; minus strand), SLC2A1 (solute carrier family 2 member 1; minus strand) and 2 more. Cytogenetic location: 1p34.2.
Variant type: Deletion.
Identifiers: ClinVar variation 3247799 (VCV003247799.1).

ClinVar aggregate classification (germline): Pathogenic (1 of 4 stars; one submission).

Conditions:
GLUT1 deficiency syndrome 1, autosomal recessive. Identifiers: MedGen C3149117.

Submission:

Labcorp Genetics (formerly Invitae), Labcorp
Classification: Pathogenic for GLUT1 deficiency syndrome 1, autosomal recessive. Last evaluated: 2022-09-22. Review status: criteria provided, single submitter. Criteria: Invitae Variant Classification Sherloc (09022015). Collection method: clinical testing. Allele origin: unknown.
Comment: For these reasons, this variant has been classified as Pathogenic. A similar copy number variant has been observed in individual(s) with glucose transporter type 1 (GLUT1) deficiency syndrome (PMID: 20382060). A gross deletion of the genomic region encompassing the full coding sequence of the SLC2A1 gene has been identified. Loss-of-function variants in SLC2A1 are known to be pathogenic (PMID: 21832227, 26193382). The boundaries of this event are unknown as they extend beyond the assayed region for this gene and therefore may encompass additional genes.

Literature cited by the submitters: PubMed 20382060; PubMed 21832227; PubMed 26193382.